The following is an entry in ClinVar:

ClinVar aggregate classification (germline): Uncertain significance (1 of 4 stars; one submission).

Conditions:
Gorlin syndrome. Also called: Nevoid Basal Cell Carcinoma Syndrome; Basal cell nevus syndrome. Identifiers: Orphanet 377, MedGen C0004779, MONDO:0007187.
Medulloblastoma (MDB). Also called: MEDULLOBLASTOMA PREDISPOSITION SYNDROME; Medulloblastoma, somatic. Identifiers: Orphanet 616, MedGen C0025149, MeSH D008527, MONDO:0007959, OMIM 155255, HP:0002885.

Submission:

Labcorp Genetics (formerly Invitae), Labcorp
Classification: Uncertain significance for Gorlin syndrome; Medulloblastoma. Last evaluated: 2023-04-04. Review status: criteria provided, single submitter. Criteria: Invitae Variant Classification Sherloc (09022015). Collection method: clinical testing. Allele origin: germline.
Comment: In summary, the available evidence is currently insufficient to determine the role of this variant in disease. Therefore, it has been classified as a Variant of Uncertain Significance. Advanced modeling of protein sequence and biophysical properties (such as structural, functional, and spatial information, amino acid conservation, physicochemical variation, residue mobility, and thermodynamic stability) performed at Invitae indicates that this missense variant is not expected to disrupt SUFU protein function. This variant has not been reported in the literature in individuals affected with SUFU-related conditions. This variant is not present in population databases (gnomAD no frequency). This sequence change replaces threonine, which is neutral and polar, with serine, which is neutral and polar, at codon 154 of the SUFU protein (p.Thr154Ser).

NM_016169.4(SUFU):c.460A>T (p.Thr154Ser)

Gene: SUFU (SUFU negative regulator of hedgehog signaling; plus strand). Cytogenetic location: 10q24.32.
Variant type: single nucleotide variant.
Coding change: c.460A>T on transcript NM_016169.4 (MANE Select); coding-DNA position 460, A replaced by T.
Protein change: p.Thr154Ser; replaces threonine 154 with serine.
Molecular consequence: missense variant.
Genome position (GRCh38, 1-based): chr10:102,592,587, A>T. VCF-style: chr10-102592587-A-T. GRCh37 (hg19) VCF-style: chr10-104352344-A-T.
Other names: c.460A>T, p.Thr154Ser (NM_001178133.2); short protein forms T154S.
Identifiers: ClinVar variation 2946114 (VCV002946114.3), dbSNP rs2545080843, ClinGen allele CA377908031.